The following is an entry in ClinVar:

ClinVar aggregate classification (germline): Uncertain significance (1 of 4 stars; one submission).

Conditions:
Fibrous dysplasia of jaw (CRBM). Also called: Cherubism. Identifiers: Orphanet 184, MedGen C0008029, MONDO:0007315, OMIM 118400.

gnomAD v4.1: 9 of 1,612,872 alleles (0.00056%); highest among the groups gnomAD compares: South Asian, 0.0088%; no homozygotes.

Submission:

Labcorp Genetics (formerly Invitae), Labcorp
Classification: Uncertain significance for Fibrous dysplasia of jaw. Last evaluated: 2022-12-06. Review status: criteria provided, single submitter. Criteria: Invitae Variant Classification Sherloc (09022015). Collection method: clinical testing. Allele origin: germline.
Comment: Advanced modeling of protein sequence and biophysical properties (such as structural, functional, and spatial information, amino acid conservation, physicochemical variation, residue mobility, and thermodynamic stability) performed at Invitae indicates that this missense variant is not expected to disrupt SH3BP2 protein function. In summary, the available evidence is currently insufficient to determine the role of this variant in disease. Therefore, it has been classified as a Variant of Uncertain Significance. This sequence change replaces proline, which is neutral and non-polar, with arginine, which is basic and polar, at codon 274 of the SH3BP2 protein (p.Pro274Arg). This variant is present in population databases (rs760547264, gnomAD 0.006%). This variant has not been reported in the literature in individuals affected with SH3BP2-related conditions. ClinVar contains an entry for this variant (Variation ID: 1421954).

NM_001122681.2(SH3BP2):c.821C>G (p.Pro274Arg)

Gene: SH3BP2 (SH3 domain binding protein 2; plus strand). Cytogenetic location: 4p16.3.
Variant type: single nucleotide variant.
Coding change: c.821C>G on transcript NM_001122681.2 (MANE Select); coding-DNA position 821, C replaced by G.
Protein change: p.Pro274Arg; replaces proline 274 with arginine.
Molecular consequence: missense variant.
Genome position (GRCh38, 1-based): chr4:2,829,727, C>G. VCF-style: chr4-2829727-C-G. GRCh37 (hg19) VCF-style: chr4-2831454-C-G.
Other names: c.905C>G, p.Pro302Arg (NM_001145855.2); c.992C>G, p.Pro331Arg (NM_001145856.2); c.821C>G, p.Pro274Arg (NM_003023.4); short protein forms P302R, P331R, P274R.
Identifiers: ClinVar variation 1421954 (VCV001421954.8), dbSNP rs760547264, ClinGen allele CA2819328.
Genomic context (GRCh38, chr4:2,829,727, plus strand): 5'-CCAAGAGGGACCCACTGTGCCCGAGGCGGGCTGAGCCTTGCCCCAGGGTACCTGCTACCC[C>G]CCGAAGGATGAGCGATCCCCCTCTGAGCACCATGCCCACCGCACCCGGCCTCCGGAAACC-3'
Protein context (NP_001116153.1, residues 264-284): AEPCPRVPAT[Pro274Arg]RRMSDPPLST